The following is an entry in ClinVar:

ClinVar aggregate classification (germline): Uncertain significance (1 of 4 stars; one submission).

gnomAD v4.1: 3 of 1,614,082 alleles (0.00019%); highest among the groups gnomAD compares: Non-Finnish European, 0.00025%; no homozygotes.

Submission:

GeneDx
Classification: Uncertain significance. Last evaluated: 2023-04-10. Review status: criteria provided, single submitter. Criteria: GeneDx Variant Classification Process June 2021. Collection method: clinical testing. Allele origin: germline. Affected: yes.
Comment: Not observed at significant frequency in large population cohorts (gnomAD); In silico analysis supports that this missense variant does not alter protein structure/function; Has not been previously published as pathogenic or benign to our knowledge

NM_004304.5(ALK):c.2138A>C (p.Glu713Ala)

Gene: ALK (ALK receptor tyrosine kinase; minus strand). Cytogenetic location: 2p23.2.
Variant type: single nucleotide variant.
Coding change: c.2138A>C on transcript NM_004304.5 (MANE Select); coding-DNA position 2138, A replaced by C.
Protein change: p.Glu713Ala; replaces glutamic acid 713 with alanine.
Molecular consequence: missense variant.
Genome position (GRCh38, 1-based): chr2:29,251,171, T>G on the plus strand (A>C on the coding strand, the complement: ALK is on the minus strand). VCF-style: chr2-29251171-T-G. GRCh37 (hg19) VCF-style: chr2-29474037-T-G.
Other names: short protein forms E713A.
Identifiers: ClinVar variation 3343015 (VCV003343015.1).
Genomic context (GRCh38, chr2:29,251,171, plus strand): 5'-GTGTCGGTGGCTGGCACCTTCCAGATCTGGATGCCTTTCAGGGGGCCCTCGCTCCCCACC[T>G]CCACGCTCAGGTTGGAGTTCTGGTAGGCGTTGTTGCACTGTGCCTGGGTGGGGCCATGGG-3'
Protein context (NP_004295.2, residues 703-723): NAYQNSNLSV[Glu713Ala]VGSEGPLKGI